The following is an entry in ClinVar:

ClinVar aggregate classification (germline): Uncertain significance (1 of 4 stars; one submission).

Allele frequency attached by ClinVar (database versions not stated): ExAC 0.00001; gnomAD 0.00001; gnomAD exomes 0.00001.
gnomAD v4.1: 11 of 1,613,786 alleles (0.00068%); highest among the groups gnomAD compares: East Asian, 0.0022%; no homozygotes.

Submission:

Labcorp Genetics (formerly Invitae), Labcorp
Classification: Uncertain significance. Last evaluated: 2022-02-18. Review status: criteria provided, single submitter. Criteria: Invitae Variant Classification Sherloc (09022015). Collection method: clinical testing. Allele origin: germline.
Comment: In summary, the available evidence is currently insufficient to determine the role of this variant in disease. Therefore, it has been classified as a Variant of Uncertain Significance. Algorithms developed to predict the effect of sequence changes on RNA splicing suggest that this variant may create or strengthen a splice site. This variant has not been reported in the literature in individuals affected with MYO18B-related conditions. This variant is present in population databases (rs749136375, gnomAD 0.005%). This sequence change affects codon 2486 of the MYO18B mRNA. It is a 'silent' change, meaning that it does not change the encoded amino acid sequence of the MYO18B protein.

NM_032608.7(MYO18B):c.7458G>A (p.Ser2486=)

Gene: MYO18B (myosin XVIIIB; plus strand). Cytogenetic location: 22q12.1.
Variant type: single nucleotide variant.
Coding change: c.7458G>A on transcript NM_032608.7 (MANE Select); coding-DNA position 7458, G replaced by A.
Protein change: p.Ser2486=; no amino-acid change (serine 2486 retained).
Molecular consequence: synonymous variant.
Genome position (GRCh38, 1-based): chr22:26,027,432, G>A. VCF-style: chr22-26027432-G-A. GRCh37 (hg19) VCF-style: chr22-26423398-G-A.
Other names: c.7461G>A, p.Ser2487= (NM_001318245.2).
Identifiers: ClinVar variation 1907805 (VCV001907805.4), dbSNP rs749136375, ClinGen allele CA10161783.